The following is an entry in ClinVar:

NM_001754.5(RUNX1):c.968-5T>G

Gene: RUNX1 (RUNX family transcription factor 1; minus strand). Cytogenetic location: 21q22.12.
Variant type: single nucleotide variant.
Coding change: c.968-5T>G on transcript NM_001754.5 (MANE Select); 5 bases into the intron before coding-DNA position 968, T replaced by G.
Molecular consequence: intron variant.
Genome position (GRCh38, 1-based): chr21:34,792,615, A>C on the plus strand (T>G on the coding strand, the complement: RUNX1 is on the minus strand). VCF-style: chr21-34792615-A-C. GRCh37 (hg19) VCF-style: chr21-36164912-A-C.
Other names: c.887-5T>G (NM_001001890.3).
Identifiers: ClinVar variation 1411632 (VCV001411632.9), dbSNP rs2145878646, ClinGen allele CA2573157366.

ClinVar aggregate classification (germline): Likely benign. Review status: reviewed by expert panel (3 of 4 stars). 2 submissions from 2 submitters: Likely benign (1). 1 of the submissions does not count toward it. Last evaluated 2025-01-15.

Conditions:
Hereditary thrombocytopenia and hematologic cancer predisposition syndrome. Identifiers: Orphanet 71290, MedGen CN281654, MONDO:0011071.
Hereditary thrombocytopenia and hematological cancer predisposition syndrome associated with RUNX1. Also called: Familial Platelet Disorder with Propensity to Acute Myelogenous Leukemia; Familial thrombocytopenia with propensity to acute myelogenous leukemia; RUNX1 Familial Platelet Disorder with Associated Myeloid Malignancies; PLATELET DISORDER, ASPIRIN-LIKE. Identifiers: Orphanet 71290, MedGen C1832388, MeSH C563324, MONDO:0100083, OMIM 601399.

Submissions (2):

ClinGen Myeloid Malignancy Variant Curation Expert Panel
Classification: Likely benign for Hereditary thrombocytopenia and hematologic cancer predisposition syndrome. Last evaluated: 2025-01-15. Review status: reviewed by expert panel. Criteria: ClinGen MyeloMalig ACMG Specifications v2. Collection method: curation. Allele origin: germline. Inheritance: Autosomal dominant inheritance.
Comment: RUNX1 c.968-5T>G is an intronic variant which is not predicted by in silico tools to impact splicing and is not evolutionarily conserved (BP4, BP7). It is absent from population databases (gnomAD v3) and has not been described in the literature. In summary, this variant meets criteria to be classified as likely benign. ACMG/AMP criteria applied, as specified by the Myeloid Malignancy Variant Curation Expert Panel for RUNX1: BP4, BP7, PM2_supporting.

Labcorp Genetics (formerly Invitae), Labcorp
Classification: Likely benign for Hereditary thrombocytopenia and hematological cancer predisposition syndrome associated with RUNX1. Last evaluated: 2024-02-17. Review status: criteria provided, single submitter. Criteria: Invitae Variant Classification Sherloc (09022015). Collection method: clinical testing. Allele origin: germline. Not counted in ClinVar's aggregate classification.